The following is an entry in ClinVar:

NM_002769.5(PRSS1):c.91G>A (p.Glu31Lys)

Genes: TRB (T cell receptor beta locus; plus strand), PRSS1 (serine protease 1; plus strand). Cytogenetic location: 7q34.
Variant type: single nucleotide variant.
Coding change: c.91G>A on transcript NM_002769.5 (MANE Select); coding-DNA position 91, G replaced by A.
Protein change: p.Glu31Lys; replaces glutamic acid 31 with lysine.
Molecular consequence: missense variant.
Genome position (GRCh38, 1-based): chr7:142,750,605, G>A. VCF-style: chr7-142750605-G-A. GRCh37 (hg19) VCF-style: chr7-142458456-G-A.
Other names: c.91G>A (NM_002769.4); short protein forms E31K.
Identifiers: ClinVar variation 1055446 (VCV001055446.10), dbSNP rs700323, ClinGen allele CA168146745.

ClinVar aggregate classification (germline): Uncertain significance. Review status: criteria provided, multiple submitters, no conflicts (2 of 4 stars). 2 submissions from 2 submitters: Uncertain significance (2). Last evaluated 2025-08-11.

Conditions:
Hereditary pancreatitis (PCTT). Also called: Hereditary chronic pancreatitis; PRSS1-Related Hereditary Pancreatitis. Identifiers: Orphanet 676, MedGen C0238339, MONDO:0008185, OMIM 167800.

Submissions (2):

Ambry Genetics
Classification: Uncertain significance for Hereditary pancreatitis. Last evaluated: 2025-08-11. Review status: criteria provided, single submitter. Criteria: Ambry Variant Classification Scheme 2023. Collection method: clinical testing. Allele origin: germline.
Comment: The p.E31K variant (also known as c.91G>A), located in coding exon 2 of the PRSS1 gene, results from a G to A substitution at nucleotide position 91. The glutamic acid at codon 31 is replaced by lysine, an amino acid with similar properties. This amino acid position is conserved. In addition, this alteration is predicted to be tolerated by in silico analysis. Based on the available evidence, the clinical significance of this variant remains unclear.

Labcorp Genetics (formerly Invitae), Labcorp
Classification: Uncertain significance for Hereditary pancreatitis. Last evaluated: 2024-02-17. Review status: criteria provided, single submitter. Criteria: Invitae Variant Classification Sherloc (09022015). Collection method: clinical testing. Allele origin: germline.
Comment: This sequence change replaces glutamic acid, which is acidic and polar, with lysine, which is basic and polar, at codon 31 of the PRSS1 protein (p.Glu31Lys). This variant is not present in population databases (gnomAD no frequency). This variant has not been reported in the literature in individuals affected with PRSS1-related conditions. ClinVar contains an entry for this variant (Variation ID: 1055446). Advanced modeling of protein sequence and biophysical properties (such as structural, functional, and spatial information, amino acid conservation, physicochemical variation, residue mobility, and thermodynamic stability) performed at Invitae indicates that this missense variant is not expected to disrupt PRSS1 protein function with a negative predictive value of 80%. In summary, the available evidence is currently insufficient to determine the role of this variant in disease. Therefore, it has been classified as a Variant of Uncertain Significance.